The following is an entry in ClinVar:

NM_022893.4(BCL11A):c.1253G>T (p.Ser418Ile)

Gene: BCL11A (BCL11 transcription factor A; minus strand). Cytogenetic location: 2p16.1.
Variant type: single nucleotide variant.
Coding change: c.1253G>T on transcript NM_022893.4 (MANE Select); coding-DNA position 1253, G replaced by T.
Protein change: p.Ser418Ile; replaces serine 418 with isoleucine.
Molecular consequence: missense variant. On other transcripts: intron variant (6).
Genome position (GRCh38, 1-based): chr2:60,461,659, C>A on the plus strand (G>T on the coding strand, the complement: BCL11A is on the minus strand). VCF-style: chr2-60461659-C-A. GRCh37 (hg19) VCF-style: chr2-60688794-C-A.
Other names: c.1151G>T, p.Ser384Ile (NM_001363864.1, NM_001365609.1, NM_001405711.1 and 2 more transcripts); c.1253G>T, p.Ser418Ile (NM_001405708.1, NM_001405709.1, NM_001405710.1 and 1 more transcripts); c.1097G>T, p.Ser366Ile (NM_001405713.1, NM_001405714.1, NM_001405715.1 and 3 more transcripts); c.995G>T, p.Ser332Ile (NM_001405717.1, NM_001405718.1, NM_001405724.1); c.560G>T, p.Ser187Ile (NM_001405729.1); c.716G>T, p.Ser239Ile (NM_001405730.1); c.260G>T, p.Ser87Ile (NM_001405731.1); c.630+623G>T (NM_138559.2, NM_001405732.1); and 5 more; short protein forms S266I, S307I, S332I, S366I, S384I, S418I, S87I, S187I.
Identifiers: ClinVar variation 4082928 (VCV004082928.2).

ClinVar aggregate classification (germline): Uncertain significance (1 of 4 stars; one submission).

Submission:

GeneDx
Classification: Uncertain significance. Last evaluated: 2025-12-22. Review status: criteria provided, single submitter. Criteria: GeneDx Variant Classification Process June 2021. Collection method: clinical testing. Allele origin: germline.
Comment: Not observed at significant frequency in large population cohorts (gnomAD); In silico analysis supports that this missense variant has a deleterious effect on protein structure/function; Has not been previously published as pathogenic or benign to our knowledge